The following is an entry in ClinVar:

NM_022042.4(SLC26A1):c.196C>T (p.Arg66Trp)

Genes: IDUA (alpha-L-iduronidase; plus strand), SLC26A1 (solute carrier family 26 member 1; minus strand). Cytogenetic location: 4p16.3.
Variant type: single nucleotide variant.
Coding change: c.196C>T on transcript NM_022042.4 (MANE Select); coding-DNA position 196, C replaced by T.
Protein change: p.Arg66Trp; replaces arginine 66 with tryptophan.
Molecular consequence: missense variant. On other transcripts: intron variant (1).
Genome position (GRCh38, 1-based): chr4:991,508, G>A on the plus strand (C>T on the coding strand, the complement: SLC26A1 is on the minus strand). VCF-style: chr4-991508-G-A. GRCh37 (hg19) VCF-style: chr4-985296-G-A.
Other names: c.196C>T, p.Arg66Trp (NM_134425.4, NM_213613.4); c.299+3559G>A (NM_000203.5); short protein forms R66W.
Identifiers: ClinVar variation 2654537 (VCV002654537.25), dbSNP rs149307649, ClinGen allele CA2801745.

ClinVar aggregate classification (germline): Uncertain significance. Review status: criteria provided, multiple submitters, no conflicts (2 of 4 stars). 2 submissions from 2 submitters: Uncertain significance (2). Last evaluated 2024-02-21.

Conditions:
Hypersulfaturia (HYSULF). Identifiers: MedGen C5830511, MONDO:0957268, OMIM 620372.
Nephrolithiasis susceptibility caused by SLC26A1 (CAON1). Also called: NEPHROLITHIASIS, CALCIUM OXALATE, 1. Identifiers: MedGen C5779632, MONDO:0020722, OMIM 167030.

Allele frequency attached by ClinVar (database versions not stated): gnomAD 0.00005; TOPMed 0.00005; ESP Exome Variant Server 0.00008; ExAC 0.00012; 1000 Genomes Project 30x 0.00062; 1000 Genomes Project 0.00080.
gnomAD v4.1: 61 of 1,609,720 alleles (0.0038%); highest among the groups gnomAD compares: East Asian, 0.089%; no homozygotes.

Submissions (2):

Fulgent Genetics
Classification: Uncertain significance for Nephrolithiasis susceptibility caused by SLC26A1; Hypersulfaturia. Last evaluated: 2024-02-21. Review status: criteria provided, single submitter. Criteria: ACMG Guidelines, 2015. Collection method: clinical testing. Allele origin: germline.

CeGaT Center for Human Genetics Tuebingen
Classification: Uncertain significance. Last evaluated: 2023-08-01. Review status: criteria provided, single submitter. Criteria: CeGaT Center For Human Genetics Tuebingen Variant Classification Criteria Version 2. Collection method: clinical testing. Allele origin: germline. Affected: yes. Observed: 1 variant allele.
Comment: SLC26A1: PM2